The following is an entry in ClinVar:

ClinVar aggregate classification (germline): Benign/Likely benign. Review status: criteria provided, multiple submitters, no conflicts (2 of 4 stars). 2 submissions from 2 submitters: Benign (1); Likely benign (1). Last evaluated 2024-11-12.

Conditions:
Papillary renal cell carcinoma type 1 (RCCP1). Also called: RENAL CELL CARCINOMA, PAPILLARY, 1, SOMATIC; Renal adenocarcinoma; Renal cell carcinoma 1; Renal cell carcinoma, somatic. Identifiers: Orphanet 47044, MedGen C1336839, OMIM 605074, HP:0011797.
Hereditary cancer-predisposing syndrome. Also called: Hereditary Cancer Syndrome; Tumor predisposition; Hereditary neoplastic syndrome; Neoplastic Syndromes, Hereditary. Identifiers: Orphanet 140162, MedGen C0027672, MeSH D009386, MONDO:0015356.

gnomAD v4.1: 2 of 1,611,802 alleles (0.00012%); highest among the groups gnomAD compares: South Asian, 0.0011%; no homozygotes.

Submissions (2):

Myriad Genetics, Inc.
Classification: Benign for Papillary renal cell carcinoma type 1. Last evaluated: 2024-11-12. Review status: criteria provided, single submitter. Criteria: Myriad Autosomal Dominant, Autosomal Recessive and X-Linked Classification Criteria (2023). Collection method: clinical testing. Allele origin: unknown.
Comment: This variant is considered benign. This variant is a silent/synonymous amino acid change and it is not expected to impact splicing.

Ambry Genetics
Classification: Likely benign for Hereditary cancer-predisposing syndrome. Last evaluated: 2024-06-30. Review status: criteria provided, single submitter. Criteria: Ambry Variant Classification Scheme 2023. Collection method: clinical testing. Allele origin: germline.

NM_000245.4(MET):c.2607A>G (p.Ala869=)

Gene: MET (MET proto-oncogene, receptor tyrosine kinase; plus strand). Cytogenetic location: 7q31.2.
Variant type: single nucleotide variant.
Coding change: c.2607A>G on transcript NM_000245.4 (MANE Select); coding-DNA position 2607, A replaced by G.
Protein change: p.Ala869=; no amino-acid change (alanine 869 retained).
Molecular consequence: synonymous variant.
Genome position (GRCh38, 1-based): chr7:116,769,668, A>G. VCF-style: chr7-116769668-A-G. GRCh37 (hg19) VCF-style: chr7-116409722-A-G.
Other names: c.2661A>G, p.Ala887= (NM_001127500.3); c.2607A>G, p.Ala869= (NM_001324401.3); c.1317A>G, p.Ala439= (NM_001324402.2).
Identifiers: ClinVar variation 3395106 (VCV003395106.2).